The following is an entry in ClinVar:

ClinVar aggregate classification (germline): Uncertain significance (1 of 4 stars; one submission).

Submission:

GeneDx
Classification: Uncertain significance. Last evaluated: 2022-04-20. Review status: criteria provided, single submitter. Criteria: GeneDx Variant Classification Process June 2021. Collection method: clinical testing. Allele origin: germline. Affected: yes.
Comment: Not observed at significant frequency in large population cohorts (gnomAD); In silico analysis supports that this missense variant has a deleterious effect on protein structure/function; Has not been previously published as pathogenic or benign to our knowledge

NM_001017974.2(P4HA2):c.164T>C (p.Leu55Pro)

Gene: P4HA2 (prolyl 4-hydroxylase subunit alpha 2; minus strand). Cytogenetic location: 5q31.1.
Variant type: single nucleotide variant.
Coding change: c.164T>C on transcript NM_001017974.2 (MANE Select); coding-DNA position 164, T replaced by C.
Protein change: p.Leu55Pro; replaces leucine 55 with proline.
Molecular consequence: missense variant.
Genome position (GRCh38, 1-based): chr5:132,217,767, A>G on the plus strand (T>C on the coding strand, the complement: P4HA2 is on the minus strand). VCF-style: chr5-132217767-A-G. GRCh37 (hg19) VCF-style: chr5-131553460-A-G.
Other names: c.164T>C, p.Leu55Pro (NM_001017973.1, NM_001142598.2, NM_001142599.2 and 6 more transcripts); short protein forms L55P.
Identifiers: ClinVar variation 1712679 (VCV001712679.2), dbSNP rs2531809804, ClinGen allele CA360801757.
Genomic context (GRCh38, chr5:132,217,767, plus strand): 5'-GAAGGGAAGGAAGGCCAACTAAGGATGGTTGGGGACTTAGGACACCTCTTAATCTTGGAA[A>G]GCTTGGCTTCCTCCACAAGGATGTACTCTTTCAGAGACTGCACCAGCTCTTTCTCTGCAT-3'
Protein context (NP_001017974.1, residues 45-65): KEYILVEEAK[Leu55Pro]SKIKSWANKM